The following is an entry in ClinVar:

ClinVar aggregate classification (germline): Pathogenic. Review status: reviewed by expert panel (3 of 4 stars). 10 submissions from 10 submitters: Pathogenic (1). 9 of the submissions do not count toward it. Last evaluated 2016-09-08.

Conditions:
Hereditary cancer-predisposing syndrome. Also called: Hereditary Cancer Syndrome; Hereditary neoplastic syndrome; Neoplastic Syndromes, Hereditary; Tumor predisposition. Identifiers: Orphanet 140162, MedGen C0027672, MeSH D009386, MONDO:0015356.
Breast-ovarian cancer, familial, susceptibility to, 1 (BROVCA1). Also called: BRCA1 Hereditary Breast and Ovarian Cancer; OVARIAN CANCER, SUSCEPTIBILITY TO. Identifiers: Orphanet 145, MedGen C2676676, MONDO:0011450, OMIM 604370. Disease mechanism: loss of function.
Hereditary breast ovarian cancer syndrome. Also called: BRCA1- and BRCA2-Associated Hereditary Breast and Ovarian Cancer; Hereditary breast and ovarian cancer syndrome; Hereditary breast and ovarian cancer syndrome (HBOC); Breast and ovarian cancer; Hereditary breast and/or ovarian cancer syndrome; Hereditary breast and ovarian cancer. Identifiers: Orphanet 145, MedGen C0677776, MeSH D061325, MONDO:0003582. Disease mechanism: loss of function.

Submissions (10):

Evidence-based Network for the Interpretation of Germline Mutant Alleles (ENIGMA)
Classification: Pathogenic for Breast-ovarian cancer, familial, susceptibility to, 1. Last evaluated: 2016-09-08. Review status: reviewed by expert panel. Criteria: ENIGMA BRCA1/2 Classification Criteria (2015). Collection method: curation. Allele origin: germline.
Comment: Variant allele predicted to encode a truncated non-functional protein.

Labcorp Genetics (formerly Invitae), Labcorp
Classification: Pathogenic for Hereditary breast ovarian cancer syndrome. Last evaluated: 2025-10-07. Review status: criteria provided, single submitter. Criteria: Invitae Variant Classification Sherloc (09022015). Collection method: clinical testing. Allele origin: germline. Not counted in ClinVar's aggregate classification.
Comment: This sequence change creates a premature translational stop signal (p.Tyr1552Cysfs*6) in the BRCA1 gene. It is expected to result in an absent or disrupted protein product. Loss-of-function variants in BRCA1 are known to be pathogenic (PMID: 20104584). This variant is not present in population databases (gnomAD no frequency). This premature translational stop signal has been observed in individual(s) with BRCA1-related conditions (PMID: 21520333). ClinVar contains an entry for this variant (Variation ID: 55252). For these reasons, this variant has been classified as Pathogenic.

All of Us Research Program, National Institutes of Health
Classification: Pathogenic for Breast-ovarian cancer, familial, susceptibility to, 1. Last evaluated: 2023-07-19. Review status: criteria provided, single submitter. Criteria: ACMG Guidelines, 2015. Collection method: clinical testing. Allele origin: germline. Inheritance: Autosomal dominant inheritance. Observed: 1 variant allele, 1 heterozygote. Not counted in ClinVar's aggregate classification.
Comment: This variant deletes 4 nucleotides in exon 14 of the BRCA1 gene, creating a frameshift and premature translation stop signal. This variant is expected to result in an absent or non-functional protein product. Splice site prediction tools suggest that this variant may not impact RNA splicing. To our knowledge, functional studies have not been performed for this variant. This variant has been reported in an individual who underwent cancer genetic testing (PMID: 16267036). This variant has not been identified in the general population by the Genome Aggregation Database (gnomAD). Loss of BRCA1 function is a known mechanism of disease. Based on the available evidence, this variant is classified as Pathogenic.

This study involves interpretation of variants in research participants for the purpose of population health screening. Participant phenotype was not available at the time of variant classification. Additional details can be found in publication PMID: 35346344, PMCID: PMC8962531

Color Diagnostics, LLC DBA Color Health
Classification: Pathogenic for Hereditary cancer-predisposing syndrome. Last evaluated: 2023-04-27. Review status: criteria provided, single submitter. Criteria: ACMG Guidelines, 2015. Collection method: clinical testing. Allele origin: germline. Not counted in ClinVar's aggregate classification.
Comment: This variant deletes 4 nucleotides in exon 14 of the BRCA1 gene, creating a frameshift and premature translation stop signal. This variant is expected to result in an absent or non-functional protein product. This variant has been reported in an individual affected with breast cancer (PMID: 30130155). This variant has not been identified in the general population by the Genome Aggregation Database (gnomAD). Loss of BRCA1 function is a known mechanism of disease. Based on the available evidence, this variant is classified as Pathogenic.

Ambry Genetics
Classification: Pathogenic for Hereditary cancer-predisposing syndrome. Last evaluated: 2023-04-20. Review status: criteria provided, single submitter. Criteria: Ambry Variant Classification Scheme 2023. Collection method: clinical testing. Allele origin: germline. Not counted in ClinVar's aggregate classification.
Comment: The c.4655_4658delACTT pathogenic mutation, located in coding exon 13 of the BRCA1 gene, results from a deletion of 4 nucleotides at nucleotide positions 4655 to 4658, causing a translational frameshift with a predicted alternate stop codon (p.Y1552Cfs*6). This variant is considered to be rare based on population cohorts in the Genome Aggregation Database (gnomAD). This alteration is expected to result in loss of function by premature protein truncation or nonsense-mediated mRNA decay. As such, this alteration is interpreted as a disease-causing mutation.

Women's Health and Genetics/Laboratory Corporation of America, LabCorp
Classification: Pathogenic for Hereditary breast ovarian cancer syndrome. Last evaluated: 2021-12-27. Review status: criteria provided, single submitter. Criteria: LabCorp Variant Classification Summary - May 2015. Collection method: clinical testing. Allele origin: germline. Not counted in ClinVar's aggregate classification.
Comment: Variant summary: BRCA1 c.4655_4658delACTT (p.Tyr1552CysfsX6) results in a premature termination codon, predicted to cause a truncation of the encoded protein or absence of the protein due to nonsense mediated decay, which are commonly known mechanisms for disease. Truncations downstream of this position have been classified as pathogenic by our laboratory (example: c.4689C>G|p.Tyr1563X; c.4754_4755delCA|p.Pro1585ArgfsX36). The variant was absent in 251230 control chromosomes. c.4655_4658delACTT has been reported in the literature in individuals affected with Hereditary Breast And Ovarian Cancer Syndrome (example: Judkins_2005, Zheng_2018, BIC database). These data indicate that the variant may be associated with disease. To our knowledge, no experimental evidence demonstrating an impact on protein function has been reported. Six ClinVar submitters, including one expert panel (Evidence-based Network for the Interpretation of Germline Mutant Alleles (ENIGMA)), have assessed the variant since 2014: five have classified it as pathogenic and one as likely pathogenic. Based on the evidence outlined above, the variant was classified as pathogenic.

GeneDx
Classification: Pathogenic. Last evaluated: 2020-11-10. Review status: criteria provided, single submitter. Criteria: GeneDx Variant Classification Process June 2021. Collection method: clinical testing. Allele origin: germline. Affected: yes. Not counted in ClinVar's aggregate classification.
Comment: Frameshift variant predicted to result in protein truncation or nonsense mediated decay in a gene for which loss-of-function is a known mechanism of disease; Observed in an individual referred for hereditary cancer testing (LaDuca 2017); Not observed in large population cohorts (Lek 2016); Truncating variants in this gene are considered pathogenic by a well-established clinical consortium and/or database; Also known as c.4774_4777delACTT; This variant is associated with the following publications: (PMID: 28152038, 16267036, 32719484)

Counsyl
Classification: Likely pathogenic for Breast-ovarian cancer, familial, susceptibility to, 1. Last evaluated: 2016-05-10. Review status: no assertion criteria provided. Collection method: clinical testing. Allele origin: unknown. Not counted in ClinVar's aggregate classification.

Sharing Clinical Reports Project (SCRP)
Classification: Pathogenic for Breast-ovarian cancer, familial 1. Last evaluated: 2009-06-30. Review status: no assertion criteria provided. Collection method: clinical testing. Allele origin: germline. Not counted in ClinVar's aggregate classification.

Breast Cancer Information Core (BIC) (BRCA1)
Classification: Pathogenic for Breast-ovarian cancer, familial 1. Last evaluated: 2002-05-29. Review status: no assertion criteria provided. Collection method: clinical testing. Allele origin: germline. Affected: yes. Observed: 2 variant alleles. Not counted in ClinVar's aggregate classification.

Literature cited by the submitters: PubMed 20104584 (cited by Labcorp Genetics (formerly Invitae), Labcorp); PubMed 21520333 (cited by Labcorp Genetics (formerly Invitae), Labcorp); PubMed 16267036 (cited by All of Us Research Program, National Institutes of Health and Women's Health and Genetics/Laboratory Corporation of America, LabCorp); PubMed 30130155 (cited by Color Diagnostics, LLC DBA Color Health and Women's Health and Genetics/Laboratory Corporation of America, LabCorp); PubMed 28152038 (cited by Ambry Genetics); PubMed 32719484 (cited by Women's Health and Genetics/Laboratory Corporation of America, LabCorp).

NM_007294.4(BRCA1):c.4655_4658del (p.Tyr1552fs)

Gene: BRCA1 (BRCA1 DNA repair associated; minus strand). Cytogenetic location: 17q21.31.
Variant type: Deletion.
Coding change: c.4655_4658del on transcript NM_007294.4 (MANE Select); coding-DNA positions 4655 to 4658, 4 bases deleted (ACTT; older notation c.4655_4658delACTT).
Protein change: p.Tyr1552fs; shifts the reading frame from tyrosine 1552.
Molecular consequence: frameshift variant. On other transcripts: non-coding transcript variant (1).
Genome position (GRCh38, 1-based): chr17:43,074,348-43,074,351, AAGT deleted on the plus strand (ACTT on the coding strand, the reverse complement: BRCA1 is on the minus strand); deleting any 4 consecutive bases within chr17:43,074,348-43,074,354 gives the same sequence; the c. name uses the placement nearest the transcript's 3' end. VCF-style (leftmost placement, unchanged base first): chr17-43074347-CAAGT-C. GRCh37 (hg19) VCF-style: chr17-41226364-CAAGT-C.
Other names: 4774del4; c.4655_4658delACTT (NM_007294.3); c.4508_4511delCTTA, p.Tyr1504Cysfs (NM_001407734.1, NM_001407735.1, NM_001407736.1 and 21 more transcripts); c.4505_4508delCTTA, p.Tyr1503Cysfs (NM_001407838.1, NM_001407839.1, NM_001407841.1 and 12 more transcripts); c.4652_4655delCTTA, p.Tyr1552Cysfs (NM_001407854.1, NM_007294.3, NM_001407593.1 and 9 more transcripts); c.4649_4652delCTTA, p.Tyr1551Cysfs (NM_001407858.1, NM_001407859.1, NM_001407860.1 and 17 more transcripts); c.4646_4649delCTTA, p.Tyr1550Cysfs (NM_001407861.1, NM_001407627.1, NM_001407628.1 and 14 more transcripts); c.4451_4454delCTTA, p.Tyr1485Cysfs (NM_001407862.1); and 73 more; short protein forms Y448fs, Y1552fs, Y1505fs, Y1573fs.
Identifiers: ClinVar variation 55252 (VCV000055252.28), dbSNP rs80357561, ClinGen allele CA002950.